The following is an entry in ClinVar:

NM_000308.4(CTSA):c.248A>G (p.Asn83Ser)

Gene: CTSA (cathepsin A; plus strand). Cytogenetic location: 20q13.12.
Variant type: single nucleotide variant.
Coding change: c.248A>G on transcript NM_000308.4 (MANE Select); coding-DNA position 248, A replaced by G.
Protein change: p.Asn83Ser; replaces asparagine 83 with serine.
Molecular consequence: missense variant. On other transcripts: non-coding transcript variant (1).
Genome position (GRCh38, 1-based): chr20:45,891,969, A>G. VCF-style: chr20-45891969-A-G. GRCh37 (hg19) VCF-style: chr20-44520608-A-G.
Other names: c.248A>G, p.Asn83Ser (NM_001127695.3, NM_001167594.3); short protein forms N83S.
Identifiers: ClinVar variation 1371708 (VCV001371708.3), dbSNP rs758876717, ClinGen allele CA9882974.

ClinVar aggregate classification (germline): Uncertain significance (1 of 4 stars; one submission).

Conditions:
Combined deficiency of sialidase AND beta galactosidase (GSL). Also called: PPCA DEFICIENCY; PROTECTIVE PROTEIN/CATHEPSIN A DEFICIENCY; GOLDBERG SYNDROME; NEURAMINIDASE DEFICIENCY WITH BETA-GALACTOSIDASE DEFICIENCY; NEURAMINIDASE/BETA-GALACTOSIDASE EXPRESSION; Galactosialidosis. Identifiers: Orphanet 351, MedGen C0268233, MONDO:0009737, OMIM 256540.

Allele frequency attached by ClinVar (database versions not stated): gnomAD exomes below 0.00001; TOPMed below 0.00001; ExAC 0.00002.
gnomAD v4.1: 7 of 1,614,134 alleles (0.00043%); highest among the groups gnomAD compares: Admixed American, 0.0017%; no homozygotes.

Submission:

Labcorp Genetics (formerly Invitae), Labcorp
Classification: Uncertain significance for Combined deficiency of sialidase AND beta galactosidase. Last evaluated: 2022-07-30. Review status: criteria provided, single submitter. Criteria: Invitae Variant Classification Sherloc (09022015). Collection method: clinical testing. Allele origin: germline.
Comment: This sequence change replaces asparagine with serine at codon 101 of the CTSA protein (p.Asn101Ser). The asparagine residue is highly conserved and there is a small physicochemical difference between asparagine and serine. This variant is present in population databases (rs758876717, gnomAD 0.003%). This variant has not been reported in the literature in individuals affected with CTSA-related conditions. ClinVar contains an entry for this variant (Variation ID: 1371708). Algorithms developed to predict the effect of missense changes on protein structure and function are either unavailable or do not agree on the potential impact of this missense change (SIFT: "Not Available"; PolyPhen-2: "Probably Damaging"; Align-GVGD: "Not Available"). In summary, the available evidence is currently insufficient to determine the role of this variant in disease. Therefore, it has been classified as a Variant of Uncertain Significance.